The following is an entry in ClinVar:

ClinVar aggregate classification (germline): Uncertain significance. Review status: criteria provided, multiple submitters, no conflicts (2 of 4 stars). 2 submissions from 2 submitters: Uncertain significance (2). Last evaluated 2026-08-06.

Conditions:
Nephropathic cystinosis (CTNS). Also called: Abderhalden Lignac Kaufmann disease; Abderhalden-Kaufmann-Lignac syndrome; CYSTINOSIN, DEFECT OF; LYSOSOMAL CYSTINE TRANSPORT PROTEIN, DEFECT OF. Identifiers: Orphanet 213, Orphanet 411629, MedGen C2931187, MONDO:0100151, OMIM 219800.
Inborn genetic diseases. Identifiers: MedGen C0950123, MeSH D030342.
Juvenile nephropathic cystinosis. Also called: Intermediate Cystinosis; CYSTINOSIS, LATE-ONSET JUVENILE OR ADOLESCENT NEPHROPATHIC TYPE; Later-Onset (Juvenile) Cystinosis. Identifiers: Orphanet 213, Orphanet 411634, MedGen C0268626, MONDO:0009066, OMIM 219900.
Ocular cystinosis. Also called: Non-Nephropathic Cystinosis; Non-Nephropathic (Ocular) Cystinosis. Identifiers: Orphanet 213, Orphanet 411641, MedGen C2931013, MONDO:0009064, OMIM 219750.

Submissions (2):

OLLIN Analises Genomicas, OLLIN
Classification: Uncertain significance for Nephropathic cystinosis. Last evaluated: 2026-08-06. Review status: criteria provided, single submitter. Criteria: ACMG Guidelines 2015 PMID 25741868. Collection method: clinical testing. Allele origin: germline. Inheritance: Autosomal recessive inheritance.
Comment: This missense variant, located in exon 11 (of 12), is absent from gnomAD and has not been identified in the literature. However, it has been reported in ClinVar (accession VCV002073378.3). In silico analysis predicts that this variant has a deleterious effect. This variant is located in a region considered to be a mutational hotspot. According to the currently available evidence, this variant has been classified as uncertain significance (PM1, PM2_P, PP3_M).

Labcorp Genetics (formerly Invitae), Labcorp
Classification: Uncertain significance for Inborn genetic diseases; Ocular cystinosis; Juvenile nephropathic cystinosis. Last evaluated: 2024-11-11. Review status: criteria provided, single submitter. Criteria: Invitae Variant Classification Sherloc (09022015). Collection method: clinical testing. Allele origin: germline.
Comment: This sequence change replaces methionine, which is neutral and non-polar, with isoleucine, which is neutral and non-polar, at codon 316 of the CTNS protein (p.Met316Ile). This variant is not present in population databases (gnomAD no frequency). This variant has not been reported in the literature in individuals affected with CTNS-related conditions. ClinVar contains an entry for this variant (Variation ID: 2073378). Invitae Evidence Modeling of protein sequence and biophysical properties (such as structural, functional, and spatial information, amino acid conservation, physicochemical variation, residue mobility, and thermodynamic stability) has been performed for this missense variant. However, the output from this modeling did not meet the statistical confidence thresholds required to predict the impact of this variant on CTNS protein function. In summary, the available evidence is currently insufficient to determine the role of this variant in disease. Therefore, it has been classified as a Variant of Uncertain Significance.

NM_004937.3(CTNS):c.948G>A (p.Met316Ile)

Gene: CTNS (cystinosin, lysosomal cystine transporter; plus strand). Cytogenetic location: 17p13.2.
Variant type: single nucleotide variant.
Coding change: c.948G>A on transcript NM_004937.3 (MANE Select); coding-DNA position 948, G replaced by A.
Protein change: p.Met316Ile; replaces methionine 316 with isoleucine.
Molecular consequence: missense variant.
Genome position (GRCh38, 1-based): chr17:3,659,953, G>A. VCF-style: chr17-3659953-G-A. GRCh37 (hg19) VCF-style: chr17-3563247-G-A.
Other names: c.948G>A, p.Met316Ile (NM_001031681.3, NM_001374492.1); c.507G>A, p.Met169Ile (NM_001374493.1, NM_001374494.1, NM_001374495.1 and 1 more transcripts); short protein forms M169I, M316I.
Identifiers: ClinVar variation 2073378 (VCV002073378.4), dbSNP rs1038548769, ClinGen allele CA287019913.